The following is an entry in ClinVar:

NM_001244926.2(PRPF4):c.789C>A (p.Asn263Lys)

Gene: PRPF4 (pre-mRNA splicing tri-snRNP complex factor PRPF4; plus strand). Cytogenetic location: 9q32.
Variant type: single nucleotide variant.
Coding change: c.789C>A on transcript NM_001244926.2 (MANE Select); coding-DNA position 789, C replaced by A.
Protein change: p.Asn263Lys; replaces asparagine 263 with lysine.
Molecular consequence: missense variant. On other transcripts: non-coding transcript variant (2).
Genome position (GRCh38, 1-based): chr9:113,286,271, C>A. VCF-style: chr9-113286271-C-A. GRCh37 (hg19) VCF-style: chr9-116048551-C-A.
Other names: c.63C>A, p.Asn21Lys (NM_001322266.2, NM_001322267.2); c.792C>A, p.Asn264Lys (NM_004697.5); short protein forms N263K, N264K, N21K.
Identifiers: ClinVar variation 4710212 (VCV004710212.1).

ClinVar aggregate classification (germline): Uncertain significance (1 of 4 stars; one submission).

Submission:

Labcorp Genetics (formerly Invitae), Labcorp
Classification: Uncertain significance. Last evaluated: 2025-09-01. Review status: criteria provided, single submitter. Criteria: Invitae Variant Classification Sherloc (09022015). Collection method: clinical testing. Allele origin: germline.
Comment: This sequence change replaces asparagine, which is neutral and polar, with lysine, which is basic and polar, at codon 264 of the PRPF4 protein (p.Asn264Lys). This variant is not present in population databases (gnomAD no frequency). This variant has not been reported in the literature in individuals affected with PRPF4-related conditions. An algorithm developed to predict the effect of missense changes on protein structure and function (PolyPhen-2) suggests that this variant is likely to be tolerated. In summary, the available evidence is currently insufficient to determine the role of this variant in disease. Therefore, it has been classified as a Variant of Uncertain Significance.